The following is an entry in ClinVar:

NM_052865.4(MGME1):c.49A>G (p.Lys17Glu)

Genes: MGME1 (mitochondrial genome maintenance exonuclease 1; plus strand), LOC126862983 (CDK7 strongly-dependent group 2 enhancer GRCh37_chr20:17950167-17951366; plus strand). Cytogenetic location: 20p11.23.
Variant type: single nucleotide variant.
Coding change: c.49A>G on transcript NM_052865.4 (MANE Select); coding-DNA position 49, A replaced by G.
Protein change: p.Lys17Glu; replaces lysine 17 with glutamic acid.
Molecular consequence: missense variant.
Genome position (GRCh38, 1-based): chr20:17,969,908, A>G. VCF-style: chr20-17969908-A-G. GRCh37 (hg19) VCF-style: chr20-17950551-A-G.
Other names: c.49A>G, p.Lys17Glu (NM_001310338.2, NM_001310339.2, NM_001363738.2); c.49A>G (NM_052865.2); short protein forms K17E.
Identifiers: ClinVar variation 1916908 (VCV001916908.5), dbSNP rs761854428, ClinGen allele CA9774868.

ClinVar aggregate classification (germline): Uncertain significance. Review status: criteria provided, multiple submitters, no conflicts (2 of 4 stars). 2 submissions from 2 submitters: Uncertain significance (2). Last evaluated 2025-08-21.

Conditions:
Inborn genetic diseases. Identifiers: MedGen C0950123, MeSH D030342.

Allele frequency attached by ClinVar (database versions not stated): gnomAD 0.00001; ExAC 0.00003; TOPMed 0.00006.
gnomAD v4.1: 26 of 1,613,748 alleles (0.0016%); highest among the groups gnomAD compares: East Asian, 0.04%; no homozygotes.

Submissions (2):

Labcorp Genetics (formerly Invitae), Labcorp
Classification: Uncertain significance. Last evaluated: 2025-08-21. Review status: criteria provided, single submitter. Criteria: Invitae Variant Classification Sherloc (09022015). Collection method: clinical testing. Allele origin: germline.
Comment: This sequence change replaces lysine, which is basic and polar, with glutamic acid, which is acidic and polar, at codon 17 of the MGME1 protein (p.Lys17Glu). This variant is present in population databases (rs761854428, gnomAD 0.07%). This variant has not been reported in the literature in individuals affected with MGME1-related conditions. ClinVar contains an entry for this variant (Variation ID: 1916908). An algorithm developed to predict the effect of missense changes on protein structure and function (PolyPhen-2) suggests that this variant is likely to be tolerated. In summary, the available evidence is currently insufficient to determine the role of this variant in disease. Therefore, it has been classified as a Variant of Uncertain Significance.

Ambry Genetics
Classification: Uncertain significance for Inborn genetic diseases. Last evaluated: 2025-03-07. Review status: criteria provided, single submitter. Criteria: Ambry Variant Classification Scheme 2023. Collection method: clinical testing. Allele origin: germline.